The following is an entry in ClinVar:

ClinVar aggregate classification (germline): Pathogenic. Review status: criteria provided, multiple submitters, no conflicts (2 of 4 stars). 2 submissions from 2 submitters: Pathogenic (2). Last evaluated 2023-10-12.

Conditions:
Lipoic acid synthetase deficiency. Also called: HYPERGLYCINEMIA, LACTIC ACIDOSIS, AND SEIZURES. Identifiers: Orphanet 401859, MedGen C3280887, MONDO:0013762, OMIM 614462.

Submissions (2):

Women's Health and Genetics/Laboratory Corporation of America, LabCorp
Classification: Pathogenic for Lipoic acid synthetase deficiency. Last evaluated: 2023-10-12. Review status: criteria provided, single submitter. Criteria: LabCorp Variant Classification Summary - May 2015. Collection method: clinical testing. Allele origin: germline.
Comment: Variant summary: LIAS c.440dupA (p.Thr148AspfsX12) results in a premature termination codon, predicted to cause a truncation of the encoded protein or absence of the protein due to nonsense mediated decay, which are commonly known mechanisms for disease. The variant was absent in 251324 control chromosomes. To our knowledge, no occurrence of c.440dupA in individuals affected with Pyruvate Dehydrogenase Lipoic Acid Synthetase Deficiency and no experimental evidence demonstrating its impact on protein function have been reported. One submitter has cited clinical-significance assessments for this variant to ClinVar after 2014 and has classified the variant as pathogenic. Based on the evidence outlined above, the variant was classified as pathogenic.

Labcorp Genetics (formerly Invitae), Labcorp
Classification: Pathogenic for Lipoic acid synthetase deficiency. Last evaluated: 2022-10-05. Review status: criteria provided, single submitter. Criteria: Invitae Variant Classification Sherloc (09022015). Collection method: clinical testing. Allele origin: germline.
Comment: For these reasons, this variant has been classified as Pathogenic. ClinVar contains an entry for this variant (Variation ID: 937476). This variant has not been reported in the literature in individuals affected with LIAS-related conditions. This variant is not present in population databases (gnomAD no frequency). This sequence change creates a premature translational stop signal (p.Thr148Aspfs*12) in the LIAS gene. It is expected to result in an absent or disrupted protein product. Loss-of-function variants in LIAS are known to be pathogenic (PMID: 24334290, 27923773).

Literature cited by the submitters: PubMed 24334290 (cited by Labcorp Genetics (formerly Invitae), Labcorp); PubMed 27923773 (cited by Labcorp Genetics (formerly Invitae), Labcorp).

NM_006859.4(LIAS):c.440dup (p.Thr148fs)

Gene: LIAS (lipoic acid synthetase; plus strand). Cytogenetic location: 4p14.
Variant type: Duplication.
Coding change: c.440dup on transcript NM_006859.4 (MANE Select); coding-DNA position 440, one base duplicated (A; older notation c.440dupA).
Protein change: p.Thr148fs; shifts the reading frame from threonine 148.
Molecular consequence: frameshift variant. On other transcripts: intron variant (1).
Genome position (GRCh38, 1-based): chr4:39,465,092, A duplicated; the last of 2 consecutive A bases (chr4:39,465,091-39,465,092); duplicating either gives the same sequence. VCF-style (leftmost placement, unchanged base first): chr4-39465090-T-TA. GRCh37 (hg19) VCF-style: chr4-39466710-T-TA.
Other names: c.440dup, p.Thr148fs (NM_001278590.2, NM_194451.3); c.299+1487dup (NM_001363700.2); c.440dupA (NM_006859.4); short protein forms T148fs.
Identifiers: ClinVar variation 937476 (VCV000937476.8), dbSNP rs1744706299, ClinGen allele CA1139658475.